The following is an entry in ClinVar:

NM_000218.3(KCNQ1):c.1676T>C (p.Leu559Pro)

Gene: KCNQ1 (potassium voltage-gated channel subfamily Q member 1; plus strand). Cytogenetic location: 11p15.5.
Variant type: single nucleotide variant.
Coding change: c.1676T>C on transcript NM_000218.3 (MANE Select); coding-DNA position 1676, T replaced by C.
Protein change: p.Leu559Pro; replaces leucine 559 with proline.
Molecular consequence: missense variant.
Genome position (GRCh38, 1-based): chr11:2,776,045, T>C. VCF-style: chr11-2776045-T-C. GRCh37 (hg19) VCF-style: chr11-2797275-T-C.
Other names: c.1580T>C, p.Leu527Pro (NM_001406836.1); c.1406T>C, p.Leu469Pro (NM_001406837.1); c.1136T>C, p.Leu379Pro (NM_001406838.1); c.1295T>C, p.Leu432Pro (NM_181798.2); short protein forms L469P, L559P, L379P, L432P, L527P.
Identifiers: ClinVar variation 2108073 (VCV002108073.4), dbSNP rs2494139128, ClinGen allele CA379139234.
Genomic context (GRCh38, chr11:2,776,045, plus strand): 5'-GGGACGTCATTGAGCAGTACTCGCAGGGCCACCTCAACCTCATGGTGCGCATCAAGGAGC[T>C]GCAGAGGAGGTGGGCACGGCCAAACGGCAGCGGGGAGGGTGCCCAGGTCCTGCCCAGCCC-3'
Protein context (NP_000209.2, residues 549-569): HLNLMVRIKE[Leu559Pro]QRRLDQSIGK

ClinVar aggregate classification (germline): Uncertain significance (1 of 4 stars; one submission).

Conditions:
Long QT syndrome (LQTS). Identifiers: MedGen C0023976, MeSH D008133, MONDO:0002442. Disease mechanism: loss of function. Inheritance: Various modes of inheritance.

Submission:

Labcorp Genetics (formerly Invitae), Labcorp
Classification: Uncertain significance for Long QT syndrome. Last evaluated: 2022-03-09. Review status: criteria provided, single submitter. Criteria: Invitae Variant Classification Sherloc (09022015). Collection method: clinical testing. Allele origin: germline.
Comment: This variant is not present in population databases (gnomAD no frequency). This sequence change replaces leucine, which is neutral and non-polar, with proline, which is neutral and non-polar, at codon 559 of the KCNQ1 protein (p.Leu559Pro). In summary, the available evidence is currently insufficient to determine the role of this variant in disease. Therefore, it has been classified as a Variant of Uncertain Significance. Algorithms developed to predict the effect of missense changes on protein structure and function are either unavailable or do not agree on the potential impact of this missense change (SIFT: "Deleterious"; PolyPhen-2: "Probably Damaging"; Align-GVGD: "Class C0"). This variant has not been reported in the literature in individuals affected with KCNQ1-related conditions.